The following is an entry in ClinVar:

NM_001374353.1(GLI2):c.4485C>T (p.Phe1495=)

Gene: GLI2 (GLI family zinc finger 2; plus strand). Cytogenetic location: 2q14.2.
Variant type: single nucleotide variant.
Coding change: c.4485C>T on transcript NM_001374353.1 (MANE Select); coding-DNA position 4485, C replaced by T.
Protein change: p.Phe1495=; no amino-acid change (phenylalanine 1495 retained).
Molecular consequence: synonymous variant.
Genome position (GRCh38, 1-based): chr2:120,990,450, C>T. VCF-style: chr2-120990450-C-T. GRCh37 (hg19) VCF-style: chr2-121748026-C-T.
Other names: c.4536C>T, p.Phe1512= (NM_001371271.1, NM_005270.5); c.4110C>T, p.Phe1370= (NM_001374354.1).
Identifiers: ClinVar variation 3040408 (VCV003040408.3), dbSNP rs367813164, ClinGen allele CA1852642.

ClinVar aggregate classification (germline): Likely benign. Review status: criteria provided, single submitter (1 of 4 stars). 2 submissions from 2 submitters: Likely benign (1). 1 of the submissions does not count toward it. Last evaluated 2025-09-26.

Conditions:
GLI2-related disorder. Also called: GLI2-related disorders; GLI2-related condition.
Holoprosencephaly 9 (HPE9). Also called: PITUITARY ANOMALIES WITH HOLOPROSENCEPHALY-LIKE FEATURES; HOLOPROSENCEPHALY WITH MICROPHTHALMIA AND FIRST BRANCHIAL ARCH ANOMALIES. Identifiers: Orphanet 2162, MedGen C1835819, MONDO:0012563, OMIM 610829.
Postaxial polydactyly-anterior pituitary anomalies-facial dysmorphism syndrome. Also called: Culler-Jones syndrome. Identifiers: Orphanet 420584, MedGen C4014479, MONDO:0014369, OMIM 615849.

Allele frequency attached by ClinVar (database versions not stated): gnomAD exomes 0.00005; ESP Exome Variant Server 0.00008; ExAC 0.00005; TOPMed 0.00009; gnomAD 0.00006.
gnomAD v4.1: 77 of 1,614,006 alleles (0.0048%); highest among the groups gnomAD compares: African/African-American, 0.017%; no homozygotes.

Submissions (2):

Labcorp Genetics (formerly Invitae), Labcorp
Classification: Likely benign for Postaxial polydactyly-anterior pituitary anomalies-facial dysmorphism syndrome; Holoprosencephaly 9. Last evaluated: 2025-09-26. Review status: criteria provided, single submitter. Criteria: Invitae Variant Classification Sherloc (09022015). Collection method: clinical testing. Allele origin: germline.

PreventionGenetics, part of Exact Sciences
Classification: Likely benign for GLI2-related condition. Last evaluated: 2019-10-02. Review status: no assertion criteria provided. Collection method: clinical testing. Allele origin: germline. Not counted in ClinVar's aggregate classification.
Comment: This variant is classified as likely benign based on ACMG/AMP sequence variant interpretation guidelines (Richards et al. 2015 PMID: 25741868, with internal and published modifications).